The following is an entry in ClinVar:

ClinVar aggregate classification (germline): Uncertain significance (1 of 4 stars; one submission).

Conditions:
Autosomal dominant epilepsy with auditory features. Identifiers: Orphanet 101046, MedGen C1838062, MONDO:0010898.

Allele frequency attached by ClinVar (database versions not stated): TOPMed below 0.00001.
gnomAD v4.1: 25 of 1,613,622 alleles (0.0015%); highest among the groups gnomAD compares: African/African-American, 0.004%; no homozygotes.

Submission:

Labcorp Genetics (formerly Invitae), Labcorp
Classification: Uncertain significance for Autosomal dominant epilepsy with auditory features. Last evaluated: 2024-08-03. Review status: criteria provided, single submitter. Criteria: Invitae Variant Classification Sherloc (09022015). Collection method: clinical testing. Allele origin: germline.
Comment: This sequence change replaces arginine, which is basic and polar, with tryptophan, which is neutral and slightly polar, at codon 273 of the LGI1 protein (p.Arg273Trp). This variant is present in population databases (rs760376686, gnomAD 0.006%). This variant has not been reported in the literature in individuals affected with LGI1-related conditions. ClinVar contains an entry for this variant (Variation ID: 847061). Advanced modeling of protein sequence and biophysical properties (such as structural, functional, and spatial information, amino acid conservation, physicochemical variation, residue mobility, and thermodynamic stability) performed at Invitae indicates that this missense variant is not expected to disrupt LGI1 protein function with a negative predictive value of 80%. In summary, the available evidence is currently insufficient to determine the role of this variant in disease. Therefore, it has been classified as a Variant of Uncertain Significance.

NM_005097.4(LGI1):c.817C>T (p.Arg273Trp)

Gene: LGI1 (leucine rich glioma inactivated 1; plus strand). Cytogenetic location: 10q23.33.
Variant type: single nucleotide variant.
Coding change: c.817C>T on transcript NM_005097.4 (MANE Select); coding-DNA position 817, C replaced by T.
Protein change: p.Arg273Trp; replaces arginine 273 with tryptophan.
Molecular consequence: missense variant. On other transcripts: non-coding transcript variant (1).
Genome position (GRCh38, 1-based): chr10:93,793,329, C>T. VCF-style: chr10-93793329-C-T. GRCh37 (hg19) VCF-style: chr10-95553086-C-T.
Other names: c.817C>T, p.Arg273Trp (NM_001308275.2); c.673C>T, p.Arg225Trp (NM_001308276.2); short protein forms R273W, R225W.
Identifiers: ClinVar variation 847061 (VCV000847061.11), dbSNP rs760376686, ClinGen allele CA5611181.